The following is an entry in ClinVar:

NM_001040142.2(SCN2A):c.3374del (p.Glu1125fs)

Gene: SCN2A (sodium voltage-gated channel alpha subunit 2; plus strand). Cytogenetic location: 2q24.3.
Variant type: Deletion.
Coding change: c.3374del on transcript NM_001040142.2 (MANE Select); coding-DNA position 3374, one base deleted (A; older notation c.3374delA).
Protein change: p.Glu1125fs; shifts the reading frame from glutamic acid 1125.
Molecular consequence: frameshift variant.
Genome position (GRCh38, 1-based): chr2:165,354,646, A deleted. VCF-style (leftmost placement, unchanged base first): chr2-165354645-GA-G. GRCh37 (hg19) VCF-style: chr2-166211155-GA-G.
Other names: c.3374del, p.Glu1125fs (NM_001040143.2, NM_001371246.1, NM_001371247.1 and 1 more transcripts); short protein forms E1125fs.
Identifiers: ClinVar variation 130220 (VCV000130220.8), dbSNP rs587780450, ClinGen allele CA155061.
Genomic context (GRCh38, chr2:165,354,645, plus strand): 5'-GTACCAATTGCTGTTGGAGAATCTGACTTTGAAAATTTAAATACTGAAGAATTCAGCAGC[GA>G]GTCAGATATGGAGGAAAGCAAAGAGGTAAAAATGTTTAAATAAGGAGATATTTTGGTGTT-3'

ClinVar aggregate classification (germline): Pathogenic (1 of 4 stars; one submission).

Conditions:
Complex neurodevelopmental disorder. Identifiers: Orphanet 528084, MedGen C5568766, MONDO:0100038.
Seizures, benign familial infantile, 3 (BFIS3). Also called: CONVULSIONS, BENIGN FAMILIAL INFANTILE, 3; Familial neonatal seizures. Identifiers: Orphanet 140927, Orphanet 306, MedGen C1843140, MONDO:0011904, OMIM 607745.

Submission:

Genetic Services Laboratory, University of Chicago
Classification: Pathogenic for Seizures, benign familial infantile, 3. Last evaluated: 2013-12-10. Review status: criteria provided, single submitter. Criteria: ACMG Guidelines, 2007. Collection method: clinical testing. Allele origin: germline. Inheritance: Autosomal dominant inheritance. Affected: yes.